The following is an entry in ClinVar:

NM_001844.5(COL2A1):c.519dup (p.Gly174fs)

Gene: COL2A1 (collagen type II alpha 1 chain; minus strand). Cytogenetic location: 12q13.11.
Variant type: Duplication.
Coding change: c.519dup on transcript NM_001844.5 (MANE Select); coding-DNA position 519, one base duplicated (T; older notation c.519dupT).
Protein change: p.Gly174fs; shifts the reading frame from glycine 174.
Molecular consequence: frameshift variant.
Genome position (GRCh38, 1-based): chr12:47,997,618, A duplicated on the plus strand (T on the coding strand, the reverse complement: COL2A1 is on the minus strand). VCF-style (leftmost placement, unchanged base first): chr12-47997617-C-CA. GRCh37 (hg19) VCF-style: chr12-48391400-C-CA.
Other names: c.312dup, p.Gly105fs (NM_033150.3); short protein forms G174fs, G105fs.
Identifiers: ClinVar variation 1457214 (VCV001457214.8), dbSNP rs2136625913, ClinGen allele CA2573148725.

ClinVar aggregate classification (germline): Pathogenic (1 of 4 stars; one submission).

Submission:

Labcorp Genetics (formerly Invitae), Labcorp
Classification: Pathogenic. Last evaluated: 2021-02-21. Review status: criteria provided, single submitter. Criteria: Invitae Variant Classification Sherloc (09022015). Collection method: clinical testing. Allele origin: germline.
Comment: For these reasons, this variant has been classified as Pathogenic. This variant has been observed in individual(s) with Stickler syndrome (Invitae). This variant is not present in population databases (ExAC no frequency). This sequence change creates a premature translational stop signal (p.Gly174Trpfs*15) in the COL2A1 gene. It is expected to result in an absent or disrupted protein product. Loss-of-function variants in COL2A1 are known to be pathogenic (PMID: 20179744).

Literature cited by the submitters: PubMed 20179744.